The following is an entry in ClinVar:

NM_020944.3(GBA2):c.1546A>G (p.Thr516Ala)

Gene: GBA2 (glucosylceramidase beta 2; minus strand). Cytogenetic location: 9p13.3.
Variant type: single nucleotide variant.
Coding change: c.1546A>G on transcript NM_020944.3 (MANE Select); coding-DNA position 1546, A replaced by G.
Protein change: p.Thr516Ala; replaces threonine 516 with alanine.
Molecular consequence: missense variant.
Genome position (GRCh38, 1-based): chr9:35,739,664, T>C on the plus strand (A>G on the coding strand, the complement: GBA2 is on the minus strand). VCF-style: chr9-35739664-T-C. GRCh37 (hg19) VCF-style: chr9-35739661-T-C.
Other names: c.1546A>G, p.Thr516Ala (NM_001330660.2); short protein forms T516A.
Identifiers: ClinVar variation 696984 (VCV000696984.14), dbSNP rs199920123, ClinGen allele CA5050372.

ClinVar aggregate classification (germline): Conflicting classifications of pathogenicity. Review status: criteria provided, conflicting classifications (1 of 4 stars). 3 submissions from 3 submitters: Uncertain significance (1); Likely benign (1). 1 of the submissions does not count toward it. Last evaluated 2025-08-18.

Conditions:
Inborn genetic diseases. Identifiers: MedGen C0950123, MeSH D030342.
GBA2-related disorder. Also called: GBA2-related condition.
Spastic paraplegia. Identifiers: MedGen C0037772, HP:0001258.

Allele frequency attached by ClinVar (database versions not stated): 1000 Genomes Project 30x 0.00031; 1000 Genomes Project 0.00040; ESP Exome Variant Server 0.00054; gnomAD 0.00062 and 0.00069; TOPMed 0.00075.
gnomAD v4.1: 173 of 1,613,932 alleles (0.011%); highest among the groups gnomAD compares: African/African-American, 0.21%; no homozygotes.

Submissions (3):

Labcorp Genetics (formerly Invitae), Labcorp
Classification: Likely benign for Spastic paraplegia. Last evaluated: 2025-08-18. Review status: criteria provided, single submitter. Criteria: Invitae Variant Classification Sherloc (09022015). Collection method: clinical testing. Allele origin: germline.

Ambry Genetics
Classification: Uncertain significance for Inborn genetic diseases. Last evaluated: 2024-03-18. Review status: criteria provided, single submitter. Criteria: Ambry Variant Classification Scheme 2023. Collection method: clinical testing. Allele origin: germline.

PreventionGenetics, part of Exact Sciences
Classification: Likely benign for GBA2-related condition. Last evaluated: 2023-11-06. Review status: no assertion criteria provided. Collection method: clinical testing. Allele origin: germline. Not counted in ClinVar's aggregate classification.
Comment: This variant is classified as likely benign based on ACMG/AMP sequence variant interpretation guidelines (Richards et al. 2015 PMID: 25741868, with internal and published modifications).